The following is an entry in ClinVar:

ClinVar aggregate classification (germline): Uncertain significance (1 of 4 stars; one submission).

Allele frequency attached by ClinVar (database versions not stated): TOPMed below 0.00001; gnomAD 0.00001; gnomAD exomes 0.00001 and 0.00002; ExAC 0.00002.
gnomAD v4.1: 22 of 1,612,606 alleles (0.0014%); highest among the groups gnomAD compares: Non-Finnish European, 0.0018%; no homozygotes.

Submission:

GeneDx
Classification: Uncertain significance. Last evaluated: 2023-12-05. Review status: criteria provided, single submitter. Criteria: GeneDx Variant Classification Process June 2021. Collection method: clinical testing. Allele origin: germline. Affected: yes.
Comment: Not observed at significant frequency in large population cohorts (gnomAD); In silico analysis supports that this missense variant does not alter protein structure/function; Has not been previously published as pathogenic or benign to our knowledge

NM_001174150.2(ARL13B):c.13A>T (p.Met5Leu)

Gene: ARL13B (ARF like GTPase 13B; plus strand). Cytogenetic location: 3q11.1.
Variant type: single nucleotide variant.
Coding change: c.13A>T on transcript NM_001174150.2 (MANE Select); coding-DNA position 13, A replaced by T.
Protein change: p.Met5Leu; replaces methionine 5 with leucine.
Molecular consequence: missense variant. On other transcripts: 5 prime UTR variant (2), non-coding transcript variant (2).
Genome position (GRCh38, 1-based): chr3:93,980,436, A>T. VCF-style: chr3-93980436-A-T. GRCh37 (hg19) VCF-style: chr3-93699280-A-T.
Other names: c.-226A>T (NM_001174151.2); c.-155A>T (NM_001321328.2); c.13A>T, p.Met5Leu (NM_144996.4, NM_182896.3); short protein forms M5L.
Identifiers: ClinVar variation 546197 (VCV000546197.3), dbSNP rs747800604, ClinGen allele CA2503719.